The following is an entry in ClinVar:

ClinVar aggregate classification (germline): Uncertain significance. Review status: criteria provided, multiple submitters, no conflicts (2 of 4 stars). 2 submissions from 2 submitters: Uncertain significance (2). Last evaluated 2025-11-18.

Conditions:
Familial thoracic aortic aneurysm and aortic dissection (TAAD). Also called: Thoracic aortic aneurysms and dissections. Identifiers: Orphanet 91387, MedGen C4707243, MONDO:0019625.
Aortic aneurysm, familial thoracic 7 (AAT7). Also called: AORTIC DISSECTION, FAMILIAL, WITH OR WITHOUT AORTIC ANEURYSM. Identifiers: MedGen C3151077, MONDO:0013418, OMIM 613780.

Allele frequency attached by ClinVar (database versions not stated): gnomAD 0.00001; gnomAD exomes 0.00003 and 0.00005; ExAC 0.00006; 1000 Genomes Project 30x 0.00016; 1000 Genomes Project 0.00020.
gnomAD v4.1: 42 of 1,614,214 alleles (0.0026%); highest among the groups gnomAD compares: South Asian, 0.04%; no homozygotes.

Submissions (2):

Labcorp Genetics (formerly Invitae), Labcorp
Classification: Uncertain significance for Aortic aneurysm, familial thoracic 7. Last evaluated: 2025-11-18. Review status: criteria provided, single submitter. Criteria: Invitae Variant Classification Sherloc (09022015). Collection method: clinical testing. Allele origin: germline.
Comment: This sequence change replaces lysine, which is basic and polar, with asparagine, which is neutral and polar, at codon 1285 of the MYLK protein (p.Lys1285Asn). This variant is present in population databases (rs527326491, gnomAD 0.04%). This variant has not been reported in the literature in individuals affected with MYLK-related conditions. ClinVar contains an entry for this variant (Variation ID: 1401538). Invitae Evidence Modeling of protein sequence and biophysical properties (such as structural, functional, and spatial information, amino acid conservation, physicochemical variation, residue mobility, and thermodynamic stability) indicates that this missense variant is not expected to disrupt MYLK protein function with a negative predictive value of 80%. In summary, the available evidence is currently insufficient to determine the role of this variant in disease. Therefore, it has been classified as a Variant of Uncertain Significance.

Ambry Genetics
Classification: Uncertain significance for Familial thoracic aortic aneurysm and aortic dissection. Last evaluated: 2024-06-03. Review status: criteria provided, single submitter. Criteria: Ambry Variant Classification Scheme 2023. Collection method: clinical testing. Allele origin: germline.
Comment: The p.K1285N variant (also known as c.3855G>T), located in coding exon 20 of the MYLK gene, results from a G to T substitution at nucleotide position 3855. The lysine at codon 1285 is replaced by asparagine, an amino acid with similar properties. This amino acid position is conserved. In addition, this alteration is predicted to be tolerated by in silico analysis. Based on the available evidence, the clinical significance of this variant remains unclear.

NM_053025.4(MYLK):c.3855G>T (p.Lys1285Asn)

Gene: MYLK (myosin light chain kinase; minus strand). Cytogenetic location: 3q21.1.
Variant type: single nucleotide variant.
Coding change: c.3855G>T on transcript NM_053025.4 (MANE Select); coding-DNA position 3855, G replaced by T.
Protein change: p.Lys1285Asn; replaces lysine 1285 with asparagine.
Molecular consequence: missense variant.
Genome position (GRCh38, 1-based): chr3:123,664,235, C>A on the plus strand (G>T on the coding strand, the complement: MYLK is on the minus strand). VCF-style: chr3-123664235-C-A. GRCh37 (hg19) VCF-style: chr3-123383082-C-A.
Other names: c.3327G>T, p.Lys1109Asn (NM_001321309.2); c.3648G>T, p.Lys1216Asn (NM_053026.4, NM_053028.4); c.3855G>T, p.Lys1285Asn (NM_053027.4); c.3855G>T (NM_053025.3); short protein forms K1216N, K1285N, K1109N.
Identifiers: ClinVar variation 1401538 (VCV001401538.7), dbSNP rs527326491, ClinGen allele CA070355.